The following is an entry in ClinVar:

ClinVar aggregate classification (germline): Uncertain significance (1 of 4 stars; one submission).

Conditions:
Inborn genetic diseases. Identifiers: MedGen C0950123, MeSH D030342.

Submission:

Ambry Genetics
Classification: Uncertain significance for Inborn genetic diseases. Last evaluated: 2026-04-22. Review status: criteria provided, single submitter. Criteria: Ambry Variant Classification Scheme 2023. Collection method: clinical testing. Allele origin: germline.
Comment: The p.N1637D variant (also known as c.4909A>G), located in coding exon 20 of the FANCM gene, results from an A to G substitution at nucleotide position 4909. The asparagine at codon 1637 is replaced by aspartic acid, an amino acid with highly similar properties. This amino acid position is conserved. In addition, this alteration is predicted to be tolerated by in silico analysis. Based on the available evidence, the clinical significance of this variant remains unclear.

NM_020937.4(FANCM):c.4909A>G (p.Asn1637Asp)

Gene: FANCM (FA complementation group M; plus strand). Cytogenetic location: 14q21.2.
Variant type: single nucleotide variant.
Coding change: c.4909A>G on transcript NM_020937.4 (MANE Select); coding-DNA position 4909, A replaced by G.
Protein change: p.Asn1637Asp; replaces asparagine 1637 with aspartic acid.
Molecular consequence: missense variant.
Genome position (GRCh38, 1-based): chr14:45,188,931, A>G. VCF-style: chr14-45188931-A-G. GRCh37 (hg19) VCF-style: chr14-45658134-A-G.
Other names: c.4831A>G, p.Asn1611Asp (NM_001308133.2); short protein forms N1611D, N1637D.
Identifiers: ClinVar variation 4871095 (VCV004871095.1).